The following is an entry in ClinVar:

NM_001701.4(BAAT):c.530G>A (p.Arg177Gln)

Gene: BAAT (bile acid-CoA:amino acid N-acyltransferase; minus strand). Cytogenetic location: 9q31.1.
Variant type: single nucleotide variant.
Coding change: c.530G>A on transcript NM_001701.4 (MANE Select); coding-DNA position 530, G replaced by A.
Protein change: p.Arg177Gln; replaces arginine 177 with glutamine.
Molecular consequence: missense variant.
Genome position (GRCh38, 1-based): chr9:101,368,259, C>T on the plus strand (G>A on the coding strand, the complement: BAAT is on the minus strand). VCF-style: chr9-101368259-C-T. GRCh37 (hg19) VCF-style: chr9-104130541-C-T.
Other names: c.530G>A, p.Arg177Gln (NM_001127610.2, NM_001374715.1); short protein forms R177Q.
Identifiers: ClinVar variation 1924027 (VCV001924027.5), dbSNP rs531237772, ClinGen allele CA196949720.
Genomic context (GRCh38, chr9:101,368,259, plus strand): 5'-TCATAGTTATGGTAAGCCAAGGCCAAGGAGGCGAAGCCACGACTGGCTAGGAGGCTGGCC[C>T]GAAATTCAAGCAGCCCACCCAAACCACCAAACAAATCAATTACCCCTGGGAAGAGACCCT-3'
Protein context (NP_001692.1, residues 167-187): FGGLGGLLEF[Arg177Gln]ASLLASRGFA

ClinVar aggregate classification (germline): Uncertain significance (1 of 4 stars; one submission).

Allele frequency attached by ClinVar (database versions not stated): gnomAD 0.00001; TOPMed 0.00002.
gnomAD v4.1: 11 of 1,613,534 alleles (0.00068%); highest among the groups gnomAD compares: Middle Eastern, 0.018%; no homozygotes.

Submission:

Labcorp Genetics (formerly Invitae), Labcorp
Classification: Uncertain significance. Last evaluated: 2022-07-06. Review status: criteria provided, single submitter. Criteria: Invitae Variant Classification Sherloc (09022015). Collection method: clinical testing. Allele origin: germline.
Comment: This sequence change replaces arginine, which is basic and polar, with glutamine, which is neutral and polar, at codon 177 of the BAAT protein (p.Arg177Gln). This variant is present in population databases (rs531237772, gnomAD 0.006%). This variant has not been reported in the literature in individuals affected with BAAT-related conditions. Algorithms developed to predict the effect of missense changes on protein structure and function output the following: SIFT: "Tolerated"; PolyPhen-2: "Possibly Damaging"; Align-GVGD: "Class C0". The glutamine amino acid residue is found in multiple mammalian species, which suggests that this missense change does not adversely affect protein function. Algorithms developed to predict the effect of sequence changes on RNA splicing suggest that this variant may create or strengthen a splice site. In summary, the available evidence is currently insufficient to determine the role of this variant in disease. Therefore, it has been classified as a Variant of Uncertain Significance.